The following is an entry in ClinVar:

NM_002429.6(MMP19):c.15G>A (p.Gln5=)

Gene: MMP19 (matrix metallopeptidase 19; minus strand). Cytogenetic location: 12q13.2.
Variant type: single nucleotide variant.
Coding change: c.15G>A on transcript NM_002429.6 (MANE Select); coding-DNA position 15, G replaced by A.
Protein change: p.Gln5=; no amino-acid change (glutamine 5 retained).
Molecular consequence: synonymous variant. On other transcripts: non-coding transcript variant (2).
Genome position (GRCh38, 1-based): chr12:55,842,816, C>T on the plus strand (G>A on the coding strand, the complement: MMP19 is on the minus strand). VCF-style: chr12-55842816-C-T. GRCh37 (hg19) VCF-style: chr12-56236600-C-T.
Other names: c.15G>A, p.Gln5= (NM_001272101.2, NM_001414375.1); c.-194G>A (NM_022791.2).
Identifiers: ClinVar variation 3035579 (VCV003035579.2), dbSNP rs139773431, ClinGen allele CA6618861.

ClinVar aggregate classification (germline): Likely benign (0 of 4 stars; one submission).

Conditions:
MMP19-related disorder. Also called: MMP19-related condition.

Allele frequency attached by ClinVar (database versions not stated): gnomAD exomes below 0.00001; TOPMed 0.00001; ExAC 0.00003; gnomAD 0.00003; ESP Exome Variant Server 0.00008.
gnomAD v4.1: 5 of 1,599,900 alleles (0.00031%); highest among the groups gnomAD compares: African/African-American, 0.0067%; no homozygotes.

Submission:

PreventionGenetics, part of Exact Sciences
Classification: Likely benign for MMP19-related condition. Last evaluated: 2019-08-07. Review status: no assertion criteria provided. Collection method: clinical testing. Allele origin: germline.
Comment: This variant is classified as likely benign based on ACMG/AMP sequence variant interpretation guidelines (Richards et al. 2015 PMID: 25741868, with internal and published modifications).